The following is an entry in ClinVar:

ClinVar aggregate classification (germline): Pathogenic (1 of 4 stars; one submission).

Conditions:
Global developmental delay (DD). Also called: Cognitive delay. Identifiers: MedGen C0557874, HP:0001263. Disease mechanism: loss of function.

Allele frequency attached by ClinVar (database versions not stated): gnomAD exomes below 0.00001.
gnomAD v4.1: 1 of 1,596,988 alleles (0.000063%); highest among the groups gnomAD compares: Non-Finnish European, 0.000085%; no homozygotes.

Submission:

Laboratoire de Génétique Moléculaire, CHU Bordeaux
Classification: Pathogenic for Global developmental delay. Last evaluated: 2021-10-26. Review status: criteria provided, single submitter. Criteria: ACMG Guidelines, 2015. Collection method: clinical testing, in vitro. Allele origin: maternal, not applicable. Inheritance: Autosomal recessive inheritance. Affected: yes. Observed: 1 compound heterozygote. Functional consequence: Decreased function.
Comment: Variant was absent from population databases (gnomAD v2 and v3) and predicted pathogenic in silico (CADD phred score 28.2). It's located in the higly conserved catalytic motif named HIGH. Functional studies in-vitro showed major defects in enzymatic function. Variant was found in coumpound heterozygosity with another pathogenic variant of EPRS1 (NM_004446.3:c.1459A>G/p.Met487Val which was also classified as pathogenic).

NM_004446.3(EPRS1):c.635T>C (p.Ile212Thr)

Gene: EPRS1 (glutamyl-prolyl-tRNA synthetase 1; minus strand). Cytogenetic location: 1q41.
Variant type: single nucleotide variant.
Coding change: c.635T>C on transcript NM_004446.3 (MANE Select); coding-DNA position 635, T replaced by C.
Protein change: p.Ile212Thr; replaces isoleucine 212 with threonine.
Molecular consequence: missense variant.
Genome position (GRCh38, 1-based): chr1:220,025,247, A>G on the plus strand (T>C on the coding strand, the complement: EPRS1 is on the minus strand). VCF-style: chr1-220025247-A-G. GRCh37 (hg19) VCF-style: chr1-220198589-A-G.
Other names: EPRS; short protein forms I212T.
Identifiers: ClinVar variation 1703006 (VCV001703006.4), dbSNP rs2528034799, ClinGen allele CA344633680.